The following is an entry in ClinVar:

ClinVar aggregate classification (germline): Pathogenic (1 of 4 stars; one submission).

Conditions:
Combined oxidative phosphorylation defect type 17. Also called: Combined oxidative phosphorylation deficiency 17. Identifiers: Orphanet 369913, MedGen C3809526, MONDO:0014190, OMIM 615440.

Submission:

Labcorp Genetics (formerly Invitae), Labcorp
Classification: Pathogenic for Combined oxidative phosphorylation defect type 17. Last evaluated: 2024-05-27. Review status: criteria provided, single submitter. Criteria: Invitae Variant Classification Sherloc (09022015). Collection method: clinical testing. Allele origin: germline.
Comment: This sequence change creates a premature translational stop signal (p.Arg43*) in the ELAC2 gene. It is expected to result in an absent or disrupted protein product. Loss-of-function variants in ELAC2 are known to be pathogenic (PMID: 27769300, 31045291). This variant is not present in population databases (gnomAD no frequency). This variant has not been reported in the literature in individuals affected with ELAC2-related conditions. For these reasons, this variant has been classified as Pathogenic.

Literature cited by the submitters: PubMed 27769300; PubMed 31045291.

NM_018127.7(ELAC2):c.127C>T (p.Arg43Ter)

Gene: ELAC2 (elaC ribonuclease Z 2; minus strand). Cytogenetic location: 17p12.
Variant type: single nucleotide variant.
Coding change: c.127C>T on transcript NM_018127.7 (MANE Select); coding-DNA position 127, C replaced by T.
Protein change: p.Arg43Ter; replaces arginine 43 with a stop codon.
Molecular consequence: nonsense.
Genome position (GRCh38, 1-based): chr17:13,017,821, G>A on the plus strand (C>T on the coding strand, the complement: ELAC2 is on the minus strand). VCF-style: chr17-13017821-G-A. GRCh37 (hg19) VCF-style: chr17-12921138-G-A.
Other names: c.127C>T, p.Arg43Ter (NM_001165962.2, NM_173717.2); short protein forms R43*.
Identifiers: ClinVar variation 3628851 (VCV003628851.2).
Genomic context (GRCh38, chr17:13,017,821, plus strand): 5'-CCACCTGCAGGTACACGGTGTTTGGGCCGCCGGAGCACCCCGACGGTCCGCGCTTCTCTC[G>A]CGTGCGCAGGTGCCGCAGCGGGTCCTTGCGCGGCCGCTCGCGGCGGGCGGGTGCCTGCGA-3'